The following is an entry in ClinVar:

NM_001267550.2(TTN):c.73766A>G (p.Tyr24589Cys)

Genes: TTN (titin; minus strand), TTN-AS1 (TTN antisense RNA 1; plus strand). Cytogenetic location: 2q31.2.
Variant type: single nucleotide variant.
Coding change: c.73766A>G on transcript NM_001267550.2 (MANE Select); coding-DNA position 73766, A replaced by G.
Protein change: p.Tyr24589Cys; replaces tyrosine 24589 with cysteine.
Molecular consequence: missense variant.
Genome position (GRCh38, 1-based): chr2:178,572,366, T>C on the plus strand (A>G on the coding strand, the complement: TTN is on the minus strand). VCF-style: chr2-178572366-T-C. GRCh37 (hg19) VCF-style: chr2-179437093-T-C.
Other names: c.68843A>G, p.Tyr22948Cys (NM_001256850.1); c.46571A>G, p.Tyr15524Cys (NM_003319.4); c.66062A>G, p.Tyr22021Cys (NM_133378.4); c.46946A>G, p.Tyr15649Cys (NM_133432.3); c.47147A>G, p.Tyr15716Cys (NM_133437.4); short protein forms Y22021C, Y24589C, Y15524C, Y15716C, Y22948C, Y15649C.
Identifiers: ClinVar variation 498371 (VCV000498371.31), dbSNP rs368708895, ClinGen allele CA1990317.

ClinVar aggregate classification (germline): Uncertain significance. Review status: criteria provided, multiple submitters, no conflicts (2 of 4 stars). 3 submissions from 3 submitters: Uncertain significance (3). Last evaluated 2022-03-01.

Allele frequency attached by ClinVar (database versions not stated): gnomAD exomes below 0.00001; ExAC 0.00001; gnomAD 0.00001; TOPMed 0.00001; ESP Exome Variant Server 0.00008.
gnomAD v4.1: 7 of 1,612,588 alleles (0.00043%); highest among the groups gnomAD compares: Middle Eastern, 0.033%; no homozygotes.

Submissions (3):

CeGaT Center for Human Genetics Tuebingen
Classification: Uncertain significance. Last evaluated: 2022-03-01. Review status: criteria provided, single submitter. Criteria: CeGaT Center For Human Genetics Tuebingen Variant Classification Criteria Version 2. Collection method: clinical testing. Allele origin: germline. Affected: yes. Observed: 1 variant allele.
Comment: TTN: PM2

GeneDx
Classification: Uncertain significance. Last evaluated: 2019-04-17. Review status: criteria provided, single submitter. Criteria: GeneDx Variant Classification Process June 2021. Collection method: clinical testing. Allele origin: germline. Affected: yes.
Comment: Has not been previously published as pathogenic or benign to our knowledge; This variant is associated with the following publications: (PMID: 31983221)

Eurofins Ntd Llc (ga)
Classification: Uncertain significance. Last evaluated: 2016-11-20. Review status: criteria provided, single submitter. Criteria: EGL Classification Definitions 2015. Collection method: clinical testing. Allele origin: germline. Observed: 1 variant allele, 1 heterozygote.